The following is an entry in ClinVar:

ClinVar aggregate classification (germline): Uncertain significance (1 of 4 stars; one submission).

Conditions:
Immunodeficiency 35 (IMD35). Also called: HIES WITH ATYPICAL MYCOBACTERIOSIS, AUTOSOMAL RECESSIVE; HYPER-IgE SYNDROME WITH ATYPICAL MYCOBACTERIOSIS, AUTOSOMAL RECESSIVE; Susceptibility to infection due to TYK2 deficiency; TYK2 DEFICIENCY. Identifiers: Orphanet 331226, MedGen C1969086, MONDO:0012682, OMIM 611521.

Submission:

Labcorp Genetics (formerly Invitae), Labcorp
Classification: Uncertain significance for Immunodeficiency 35. Last evaluated: 2021-09-09. Review status: criteria provided, single submitter. Criteria: Invitae Variant Classification Sherloc (09022015). Collection method: clinical testing. Allele origin: germline.
Comment: This variant has not been reported in the literature in individuals affected with TYK2-related conditions. This sequence change replaces alanine with serine at codon 813 of the TYK2 protein (p.Ala813Ser). The alanine residue is highly conserved and there is a moderate physicochemical difference between alanine and serine. This variant is not present in population databases (ExAC no frequency). Algorithms developed to predict the effect of missense changes on protein structure and function are either unavailable or do not agree on the potential impact of this missense change (SIFT: "Not Available"; PolyPhen-2: "Possibly Damaging"; Align-GVGD: "Not Available"). In summary, the available evidence is currently insufficient to determine the role of this variant in disease. Therefore, it has been classified as a Variant of Uncertain Significance.

NM_003331.5(TYK2):c.2437G>T (p.Ala813Ser)

Gene: TYK2 (tyrosine kinase 2; minus strand). Cytogenetic location: 19p13.2.
Variant type: single nucleotide variant.
Coding change: c.2437G>T on transcript NM_003331.5 (MANE Select); coding-DNA position 2437, G replaced by T.
Protein change: p.Ala813Ser; replaces alanine 813 with serine.
Molecular consequence: missense variant.
Genome position (GRCh38, 1-based): chr19:10,357,793, C>A on the plus strand (G>T on the coding strand, the complement: TYK2 is on the minus strand). VCF-style: chr19-10357793-C-A. GRCh37 (hg19) VCF-style: chr19-10468469-C-A.
Other names: c.2437G>T, p.Ala813Ser (NM_001385197.1, NM_001385198.1, NM_001385200.1 and 2 more transcripts); c.2251G>T, p.Ala751Ser (NM_001385199.1); c.2239G>T, p.Ala747Ser (NM_001385201.1); c.2353G>T, p.Ala785Ser (NM_001385202.1); c.2347G>T, p.Ala783Ser (NM_001385205.1); c.2311G>T, p.Ala771Ser (NM_001385206.1); c.2419G>T, p.Ala807Ser (NM_001385207.1); short protein forms A751S, A785S, A807S, A813S, A747S, A771S, A783S.
Identifiers: ClinVar variation 1473906 (VCV001473906.6), dbSNP rs752386163, ClinGen allele CA403995248.